The following is an entry in ClinVar:

ClinVar aggregate classification (germline): Uncertain significance. Review status: criteria provided, multiple submitters, no conflicts (2 of 4 stars). 2 submissions from 2 submitters: Uncertain significance (2). Last evaluated 2020-10-29.

Allele frequency attached by ClinVar (database versions not stated): gnomAD exomes below 0.00001 and 0.00003; gnomAD 0.00001; TOPMed 0.00002.
gnomAD v4.1: 46 of 1,613,726 alleles (0.0029%); highest among the groups gnomAD compares: Non-Finnish European, 0.0036%; no homozygotes.

Submissions (2):

GeneDx
Classification: Uncertain significance. Last evaluated: 2020-10-29. Review status: criteria provided, single submitter. Criteria: GeneDx Variant Classification Process June 2021. Collection method: clinical testing. Allele origin: germline. Affected: yes.
Comment: Not observed at a significant frequency in large population cohorts (Lek et al., 2016); In silico analysis supports that this missense variant has a deleterious effect on protein structure/function; Has not been previously published as pathogenic or benign to our knowledge

Mayo Clinic Laboratories, Mayo Clinic
Classification: Uncertain significance. Last evaluated: 2020-03-23. Review status: criteria provided, single submitter. Criteria: ACMG Guidelines, 2015. Collection method: clinical testing. Allele origin: germline. Observed: 1 variant allele.

NM_001164508.2(NEB):c.7378C>T (p.Pro2460Ser)

Gene: NEB (nebulin; minus strand). Cytogenetic location: 2q23.3.
Variant type: single nucleotide variant.
Coding change: c.7378C>T on transcript NM_001164508.2 (MANE Select); coding-DNA position 7378, C replaced by T.
Protein change: p.Pro2460Ser; replaces proline 2460 with serine.
Molecular consequence: missense variant.
Genome position (GRCh38, 1-based): chr2:151,650,229, G>A on the plus strand (C>T on the coding strand, the complement: NEB is on the minus strand). VCF-style: chr2-151650229-G-A. GRCh37 (hg19) VCF-style: chr2-152506743-G-A.
Other names: c.7378C>T, p.Pro2460Ser (NM_001164507.2, NM_001271208.2, NM_004543.5); short protein forms P2460S.
Identifiers: ClinVar variation 1163220 (VCV001163220.7), dbSNP rs1360504212, ClinGen allele CA348787835.